The following is an entry in ClinVar:

ClinVar aggregate classification (germline): Uncertain significance (1 of 4 stars; one submission).

gnomAD v4.1: 9 of 1,384,996 alleles (0.00065%); highest among the groups gnomAD compares: African/African-American, 0.0016%; no homozygotes.

Submission:

Labcorp Genetics (formerly Invitae), Labcorp
Classification: Uncertain significance. Last evaluated: 2024-09-30. Review status: criteria provided, single submitter. Criteria: Invitae Variant Classification Sherloc (09022015). Collection method: clinical testing. Allele origin: germline.
Comment: This sequence change replaces valine, which is neutral and non-polar, with glycine, which is neutral and non-polar, at codon 739 of the REST protein (p.Val739Gly). This variant is not present in population databases (gnomAD no frequency). This variant has not been reported in the literature in individuals affected with REST-related conditions. An algorithm developed to predict the effect of missense changes on protein structure and function (PolyPhen-2) suggests that this variant is likely to be tolerated. In summary, the available evidence is currently insufficient to determine the role of this variant in disease. Therefore, it has been classified as a Variant of Uncertain Significance.

NM_005612.5(REST):c.2216T>G (p.Val739Gly)

Gene: REST (RE1 silencing transcription factor; plus strand). Cytogenetic location: 4q12.
Variant type: single nucleotide variant.
Coding change: c.2216T>G on transcript NM_005612.5 (MANE Select); coding-DNA position 2216, T replaced by G.
Protein change: p.Val739Gly; replaces valine 739 with glycine.
Molecular consequence: missense variant.
Genome position (GRCh38, 1-based): chr4:56,931,074, T>G. VCF-style: chr4-56931074-T-G. GRCh37 (hg19) VCF-style: chr4-57797240-T-G.
Other names: c.2216T>G, p.Val739Gly (NM_001193508.2, NM_001363453.3); short protein forms V739G.
Identifiers: ClinVar variation 3713012 (VCV003713012.2).